The following is an entry in ClinVar:

ClinVar aggregate classification (germline): Likely benign. Review status: criteria provided, multiple submitters, no conflicts (2 of 4 stars). 2 submissions from 2 submitters: Likely benign (2). Last evaluated 2026-08-01.

gnomAD v4.1: 15 of 1,614,028 alleles (0.00093%); highest among the groups gnomAD compares: Admixed American, 0.02%; no homozygotes.

Submissions (2):

CeGaT Center for Human Genetics Tuebingen
Classification: Likely benign. Last evaluated: 2026-08-01. Review status: criteria provided, single submitter. Criteria: CeGaT Center For Human Genetics Tuebingen Variant Classification Criteria Version 2. Collection method: clinical testing. Allele origin: germline. Affected: yes. Observed: 1 variant allele.
Comment: HIVEP2: BP4

Labcorp Genetics (formerly Invitae), Labcorp
Classification: Likely benign. Last evaluated: 2025-02-12. Review status: criteria provided, single submitter. Criteria: Invitae Variant Classification Sherloc (09022015). Collection method: clinical testing. Allele origin: germline.

NM_006734.4(HIVEP2):c.246G>T (p.Lys82Asn)

Gene: HIVEP2 (HIVEP zinc finger 2; minus strand). Cytogenetic location: 6q24.2.
Variant type: single nucleotide variant.
Coding change: c.246G>T on transcript NM_006734.4 (MANE Select); coding-DNA position 246, G replaced by T.
Protein change: p.Lys82Asn; replaces lysine 82 with asparagine.
Molecular consequence: missense variant.
Genome position (GRCh38, 1-based): chr6:142,774,493, C>A on the plus strand (G>T on the coding strand, the complement: HIVEP2 is on the minus strand). VCF-style: chr6-142774493-C-A. GRCh37 (hg19) VCF-style: chr6-143095630-C-A.
Other names: short protein forms K82N.
Identifiers: ClinVar variation 2886468 (VCV002886468.4), dbSNP rs569113955, ClinGen allele CA4028776.